The following is an entry in ClinVar:

NM_144670.6(A2ML1):c.2591G>A (p.Gly864Asp)

Gene: A2ML1 (alpha-2-macroglobulin like 1; plus strand). Cytogenetic location: 12p13.31.
Variant type: single nucleotide variant.
Coding change: c.2591G>A on transcript NM_144670.6 (MANE Select); coding-DNA position 2591, G replaced by A.
Protein change: p.Gly864Asp; replaces glycine 864 with aspartic acid.
Molecular consequence: missense variant.
Genome position (GRCh38, 1-based): chr12:8,854,128, G>A. VCF-style: chr12-8854128-G-A. GRCh37 (hg19) VCF-style: chr12-9006724-G-A.
Other names: c.1118G>A, p.Gly373Asp (NM_001282424.3); short protein forms G373D, G864D.
Identifiers: ClinVar variation 1025206 (VCV001025206.8), dbSNP rs1943980987, ClinGen allele CA383834496.

ClinVar aggregate classification (germline): Uncertain significance (1 of 4 stars; one submission).

Submission:

Labcorp Genetics (formerly Invitae), Labcorp
Classification: Uncertain significance. Last evaluated: 2020-03-25. Review status: criteria provided, single submitter. Criteria: Invitae Variant Classification Sherloc (09022015). Collection method: clinical testing. Allele origin: germline.
Comment: In summary, the available evidence is currently insufficient to determine the role of this variant in disease. Therefore, it has been classified as a Variant of Uncertain Significance. Algorithms developed to predict the effect of missense changes on protein structure and function are either unavailable or do not agree on the potential impact of this missense change (SIFT: "Deleterious"; PolyPhen-2: "Probably Damaging"; Align-GVGD: "Class C0"). This variant has not been reported in the literature in individuals with A2ML1-related conditions. This variant is not present in population databases (ExAC no frequency). This sequence change replaces glycine with aspartic acid at codon 864 of the A2ML1 protein (p.Gly864Asp). The glycine residue is highly conserved and there is a moderate physicochemical difference between glycine and aspartic acid.